The following is an entry in ClinVar:

NM_000199.5(SGSH):c.1446C>T (p.Ala482=)

Gene: SGSH (N-sulfoglucosamine sulfohydrolase; minus strand). Cytogenetic location: 17q25.3.
Variant type: single nucleotide variant.
Coding change: c.1446C>T on transcript NM_000199.5 (MANE Select); coding-DNA position 1446, C replaced by T.
Protein change: p.Ala482=; no amino-acid change (alanine 482 retained).
Molecular consequence: synonymous variant. On other transcripts: 3 prime UTR variant (2), non-coding transcript variant (1).
Genome position (GRCh38, 1-based): chr17:80,210,515, G>A on the plus strand (C>T on the coding strand, the complement: SGSH is on the minus strand). VCF-style: chr17-80210515-G-A. GRCh37 (hg19) VCF-style: chr17-78184314-G-A.
Other names: c.*533C>T (NM_001352921.3); c.*496C>T (NM_001352922.2).
Identifiers: ClinVar variation 728298 (VCV000728298.20), dbSNP rs113679696, ClinGen allele CA8817581.
Genomic context (GRCh38, chr17:80,210,515, plus strand): 5'-CAGCTCATTGTGGAGGGGCTGGCACTGGGGAGAGAGCTTCTCCTCCAGGACGCCGTCGGG[G>A]GCGCACACCCAGGGGTCGTGGGTCTCCCACTGCCACTTGGCCAGCTGGTCCCGAAGCATC-3'
Protein context (NP_000190.1, residues 472-492): QWETHDPWVC[Ala482=]PDGVLEEKLS

ClinVar aggregate classification (germline): Conflicting classifications of pathogenicity. Review status: criteria provided, conflicting classifications (1 of 4 stars). 6 submissions from 6 submitters: Uncertain significance (1); Benign (1); Likely benign (3). 1 of the submissions does not count toward it. Last evaluated 2026-01-29.

Conditions:
Mucopolysaccharidosis, MPS-III-A (MPS3A). Also called: MUCOPOLYSACCHARIDOSIS, TYPE IIIA, ATTENUATED; HEPARAN SULFATE SULFATASE DEFICIENCY; SANFILIPPO SYNDROME A; SULFAMIDASE DEFICIENCY; Mucopolysaccharidosis, type IIIA; MPS III A. Identifiers: Orphanet 581, Orphanet 79269, MedGen C0086647, MONDO:0009655, OMIM 252900.
SGSH-related disorder. Also called: SGSH-related condition.

Allele frequency attached by ClinVar (database versions not stated): gnomAD exomes 0.00010 and 0.00021; ExAC 0.00035; gnomAD 0.00097 and 0.00090; 1000 Genomes Project 0.00060; TOPMed 0.00109; ESP Exome Variant Server 0.00077; 1000 Genomes Project 30x 0.00062.
gnomAD v4.1: 292 of 1,609,698 alleles (0.018%); highest among the groups gnomAD compares: African/African-American, 0.33%; 2 homozygotes.

Submissions (6):

Labcorp Genetics (formerly Invitae), Labcorp
Classification: Benign for Mucopolysaccharidosis, MPS-III-A. Last evaluated: 2026-01-29. Review status: criteria provided, single submitter. Criteria: Invitae Variant Classification Sherloc (09022015). Collection method: clinical testing. Allele origin: germline.

PreventionGenetics, part of Exact Sciences
Classification: Likely benign for SGSH-related condition. Last evaluated: 2025-06-07. Review status: criteria provided, single submitter. Criteria: ACMG Guidelines, 2015. Collection method: clinical testing. Allele origin: germline.
Comment: This variant is classified as likely benign based on ACMG/AMP sequence variant interpretation guidelines (Richards et al. 2015 PMID: 25741868, with internal and published modifications).

Blueprint Genetics
Classification: Likely benign. Last evaluated: 2024-10-09. Review status: criteria provided, single submitter. Criteria: ACMG Guidelines, 2015. Collection method: clinical testing. Allele origin: germline.

Genome-Nilou Lab
Classification: Likely benign for Mucopolysaccharidosis, MPS-III-A. Last evaluated: 2021-11-07. Review status: criteria provided, single submitter. Criteria: ACMG Guidelines, 2015. Collection method: clinical testing. Allele origin: germline. Affected: no.

Illumina Laboratory Services, Illumina
Classification: Uncertain significance for Mucopolysaccharidosis, MPS-III-A. Last evaluated: 2018-01-13. Review status: criteria provided, single submitter. Criteria: ICSL Variant Classification Criteria 13 December 2019. Collection method: clinical testing. Allele origin: germline.

Natera, Inc.
Classification: Likely benign for Mucopolysaccharidosis type IIIA. Last evaluated: 2020-05-04. Review status: no assertion criteria provided. Collection method: clinical testing. Allele origin: germline. Not counted in ClinVar's aggregate classification.